The following is an entry in ClinVar:

NM_000092.5(COL4A4):c.2879G>A (p.Gly960Glu)

Gene: COL4A4 (collagen type IV alpha 4 chain; minus strand). Cytogenetic location: 2q36.3.
Variant type: single nucleotide variant.
Coding change: c.2879G>A on transcript NM_000092.5 (MANE Select); coding-DNA position 2879, G replaced by A.
Protein change: p.Gly960Glu; replaces glycine 960 with glutamic acid.
Molecular consequence: missense variant.
Genome position (GRCh38, 1-based): chr2:227,052,394, C>T on the plus strand (G>A on the coding strand, the complement: COL4A4 is on the minus strand). VCF-style: chr2-227052394-C-T. GRCh37 (hg19) VCF-style: chr2-227917110-C-T.
Other names: short protein forms G960E.
Identifiers: ClinVar variation 3907674 (VCV003907674.2).
Genomic context (GRCh38, chr2:227,052,394, plus strand): 5'-GGAGGTCCAGGTTCCCCAGGTGTTCCCTTTTGTGAAATGATAGCCATTTCTCCTTCATCT[C>T]CGGGAGGTCCTATGGCTCCTATGGATATTAATTATGCAAGAACAAAATGAACAGGAACAT-3'
Protein context (NP_000083.3, residues 950-970): RGAKGAIGPP[Gly960Glu]DEGEMAIISQ

ClinVar aggregate classification (germline): Likely pathogenic. Review status: criteria provided, multiple submitters, no conflicts (2 of 4 stars). 2 submissions from 2 submitters: Likely pathogenic (2). Last evaluated 2025-05-28.

Conditions:
Alport syndrome. Also called: Hemorrhagic familial nephritis; Hemorrhagic hereditary nephritis; Congenital hereditary hematuria. Identifiers: Orphanet 63, MedGen C1567741, MONDO:0018965.
Autosomal recessive Alport syndrome (ATS2). Also called: Alport syndrome type 2; ALPORT SYNDROME 2, AUTOSOMAL RECESSIVE; COL4A3-Related Nephropathy; COL4A4 Alport Syndrome and Thin Basement Membrane Nephropathy. Identifiers: Orphanet 63, Orphanet 88919, MedGen C4746745, MONDO:0008762, OMIM 203780.

Submissions (2):

MVZ Medizinische Genetik Mainz
Classification: Likely pathogenic for Autosomal recessive Alport syndrome. Last evaluated: 2025-05-28. Review status: criteria provided, single submitter. Criteria: UK Practice Guidelines For Variant Classification V4 01 2020. Collection method: clinical testing. Allele origin: germline. Inheritance: Autosomal dominant inheritance. Affected: yes. Observed: 1 variant allele.
Comment: ACMG Criteria: PM1_STR,PM5,PM2_SUP,PP3

Natera, Inc.
Classification: Likely pathogenic for Alport syndrome. Last evaluated: 2024-04-26. Review status: criteria provided, single submitter. Criteria: Natera Variant Classification Schema (03/2026). Collection method: clinical testing. Allele origin: germline.
Comment: The c.2879G>A variant in COL4A4 is a missense variant predicted to cause substitution of glycine to glutamic acid at amino acid 960. This variant is rare in the general population with a frequency below the threshold expected for the associated phenotype(s). This variant is located in a functionally critical region of the protein. A different variant at the same position has been determined to be Pathogenic or Likely Pathogenic. Computational prediction algorithms indicate this variant is likely to affect gene or protein function. Given the available evidence, this variant is classified as Likely Pathogenic.